The following is an entry in ClinVar:

ClinVar aggregate classification (germline): Uncertain significance (1 of 4 stars; one submission).

Conditions:
Cardiovascular phenotype. Identifiers: MedGen CN230736.

Submission:

Ambry Genetics
Classification: Uncertain significance for Cardiovascular phenotype. Last evaluated: 2025-10-29. Review status: criteria provided, single submitter. Criteria: Ambry Variant Classification Scheme 2023. Collection method: clinical testing. Allele origin: germline.
Comment: The c.5075_5076insA variant, located in coding exon 30 of the FLNC gene, results from an insertion of one nucleotide at position 5075, causing a translational frameshift with a predicted alternate stop codon (p.D1693Gfs*4). Loss-of-function variants are expected to result in loss of function by premature protein truncation or nonsense-mediated mRNA decay. However, in silico splice site analysis predicts that this alteration may result in the creation or strengthening of a novel splice acceptor site. The exact functional effect of this variant is unknown. Based on the available evidence, the clinical significance of this variant remains unclear.

NM_001458.5(FLNC):c.5075_5076insA (p.Asp1693fs)

Gene: FLNC (filamin C; plus strand). Cytogenetic location: 7q32.1.
Variant type: Insertion.
Coding change: c.5075_5076insA on transcript NM_001458.5 (MANE Select); coding-DNA positions 5075 to 5076, A inserted.
Protein change: p.Asp1693fs; shifts the reading frame from aspartic acid 1693.
Molecular consequence: frameshift variant.
Genome position: GRCh38 VCF-style: chr7-128849454-T-TA. GRCh37 (hg19) VCF-style: chr7-128489508-T-TA.
Other names: c.5075_5076insA, p.Asp1693fs (NM_001127487.2); short protein forms D1693fs.
Identifiers: ClinVar variation 4614196 (VCV004614196.1).